The following is an entry in ClinVar:

NM_004304.5(ALK):c.1571C>T (p.Thr524Ile)

Gene: ALK (ALK receptor tyrosine kinase; minus strand). Cytogenetic location: 2p23.2.
Variant type: single nucleotide variant.
Coding change: c.1571C>T on transcript NM_004304.5 (MANE Select); coding-DNA position 1571, C replaced by T.
Protein change: p.Thr524Ile; replaces threonine 524 with isoleucine.
Molecular consequence: missense variant.
Genome position (GRCh38, 1-based): chr2:29,318,380, G>A on the plus strand (C>T on the coding strand, the complement: ALK is on the minus strand). VCF-style: chr2-29318380-G-A. GRCh37 (hg19) VCF-style: chr2-29541246-G-A.
Other names: short protein forms T524I.
Identifiers: ClinVar variation 3630205 (VCV003630205.2).

ClinVar aggregate classification (germline): Uncertain significance (1 of 4 stars; one submission).

Conditions:
Neuroblastoma, susceptibility to, 3. Also called: ALK-Related Neuroblastic Tumor Susceptibility. Identifiers: Orphanet 635, MedGen C2751681, MONDO:0013083, OMIM 613014.

Submission:

Labcorp Genetics (formerly Invitae), Labcorp
Classification: Uncertain significance for Neuroblastoma, susceptibility to, 3. Last evaluated: 2024-07-10. Review status: criteria provided, single submitter. Criteria: Invitae Variant Classification Sherloc (09022015). Collection method: clinical testing. Allele origin: germline.
Comment: This sequence change replaces threonine, which is neutral and polar, with isoleucine, which is neutral and non-polar, at codon 524 of the ALK protein (p.Thr524Ile). This variant is not present in population databases (gnomAD no frequency). This variant has not been reported in the literature in individuals affected with ALK-related conditions. An algorithm developed to predict the effect of missense changes on protein structure and function (PolyPhen-2) suggests that this variant is likely to be tolerated. In summary, the available evidence is currently insufficient to determine the role of this variant in disease. Therefore, it has been classified as a Variant of Uncertain Significance.